The following is an entry in ClinVar:

ClinVar aggregate classification (germline): Pathogenic/Likely pathogenic. Review status: criteria provided, multiple submitters, no conflicts (2 of 4 stars). 3 submissions from 3 submitters: Pathogenic (1); Likely pathogenic (2). Last evaluated 2023-11-12.

Conditions:
Juvenile retinoschisis (RS1). Also called: X-linked retinoschisis; X-Linked Juvenile Retinoschisis. Identifiers: Orphanet 792, MedGen C3714753, MONDO:0010725, OMIM 312700.

Submissions (3):

Labcorp Genetics (formerly Invitae), Labcorp
Classification: Pathogenic. Last evaluated: 2023-11-12. Review status: criteria provided, single submitter. Criteria: Invitae Variant Classification Sherloc (09022015). Collection method: clinical testing. Allele origin: germline.
Comment: This sequence change affects a donor splice site in intron 3 of the RS1 gene. It is expected to disrupt RNA splicing. Variants that disrupt the donor or acceptor splice site typically lead to a loss of protein function (PMID: 16199547), and loss-of-function variants in RS1 are known to be pathogenic (PMID: 9618178, 17172462). This variant is not present in population databases (gnomAD no frequency). Disruption of this splice site has been observed in individual(s) with X-linked juvenile retinoschisis (PMID: 9618178). ClinVar contains an entry for this variant (Variation ID: 1705489). Algorithms developed to predict the effect of sequence changes on RNA splicing suggest that this variant may disrupt the consensus splice site. For these reasons, this variant has been classified as Pathogenic.

Baylor Genetics
Classification: Likely pathogenic for Juvenile retinoschisis. Last evaluated: 2022-12-05. Review status: criteria provided, single submitter. Criteria: ACMG Guidelines, 2015. Collection method: clinical testing. Allele origin: unknown.

3billion
Classification: Likely pathogenic for Juvenile retinoschisis. Last evaluated: 2022-09-01. Review status: criteria provided, single submitter. Criteria: ACMG Guidelines, 2015. Collection method: clinical testing. Allele origin: germline. Affected: yes. Observed: 1 hemizygote.
Comment: The variant is not observed in the gnomAD v2.1.1 dataset. Canonical splice site is predicted to alter splicing and result in a loss or disruption of normal protein function. Multiple pathogenic loss-of-function variants are reported downstream of the variant. Therefore, this variant is classified as Likely pathogenic according to the recommendation of ACMG/AMP guideline.

Literature cited by the submitters: PubMed 16199547 (cited by Labcorp Genetics (formerly Invitae), Labcorp); PubMed 9618178 (cited by Labcorp Genetics (formerly Invitae), Labcorp); PubMed 17172462 (cited by Labcorp Genetics (formerly Invitae), Labcorp).

NM_000330.4(RS1):c.184+1G>A

Gene: RS1 (retinoschisin 1; minus strand). Cytogenetic location: Xp22.13.
Variant type: single nucleotide variant.
Coding change: c.184+1G>A on transcript NM_000330.4 (MANE Select); the canonical splice donor site of the intron after coding-DNA position 184, G replaced by A.
Molecular consequence: splice donor variant.
Genome position (GRCh38, 1-based): chrX:18,656,652, C>T on the plus strand (G>A on the coding strand, the complement: RS1 is on the minus strand). VCF-style: chrX-18656652-C-T. GRCh37 (hg19) VCF-style: chrX-18674772-C-T.
Identifiers: ClinVar variation 1705489 (VCV001705489.5), dbSNP rs281865343, ClinGen allele CA412375975.